The following is an entry in ClinVar:

ClinVar aggregate classification (germline): Uncertain significance (1 of 4 stars; one submission).

Allele frequency attached by ClinVar (database versions not stated): TOPMed below 0.00001.

Submission:

Labcorp Genetics (formerly Invitae), Labcorp
Classification: Uncertain significance. Last evaluated: 2023-07-22. Review status: criteria provided, single submitter. Criteria: Invitae Variant Classification Sherloc (09022015). Collection method: clinical testing. Allele origin: germline.
Comment: In summary, the available evidence is currently insufficient to determine the role of this variant in disease. Therefore, it has been classified as a Variant of Uncertain Significance. Algorithms developed to predict the effect of sequence changes on RNA splicing suggest that this variant may disrupt the consensus splice site. An algorithm developed to predict the effect of missense changes on protein structure and function (PolyPhen-2) suggests that this variant is likely to be disruptive. This variant has not been reported in the literature in individuals affected with TBX6-related conditions. This variant is present in population databases (no rsID available, gnomAD 0.004%). This sequence change replaces arginine, which is basic and polar, with cysteine, which is neutral and slightly polar, at codon 119 of the TBX6 protein (p.Arg119Cys).

NM_004608.4(TBX6):c.355C>T (p.Arg119Cys)

Gene: TBX6 (T-box transcription factor 6; minus strand). Cytogenetic location: 16p11.2.
Variant type: single nucleotide variant.
Coding change: c.355C>T on transcript NM_004608.4 (MANE Select); coding-DNA position 355, C replaced by T.
Protein change: p.Arg119Cys; replaces arginine 119 with cysteine.
Molecular consequence: missense variant.
Genome position (GRCh38, 1-based): chr16:30,089,209, G>A on the plus strand (C>T on the coding strand, the complement: TBX6 is on the minus strand). VCF-style: chr16-30089209-G-A. GRCh37 (hg19) VCF-style: chr16-30100530-G-A.
Other names: short protein forms R119C.
Identifiers: ClinVar variation 3004181 (VCV003004181.3), dbSNP rs1348630707, ClinGen allele CA395520527.